The following is an entry in ClinVar:

NM_001036.6(RYR3):c.4540C>T (p.Arg1514Cys)

Gene: RYR3 (ryanodine receptor 3; plus strand). Cytogenetic location: 15q14.
Variant type: single nucleotide variant.
Coding change: c.4540C>T on transcript NM_001036.6 (MANE Select); coding-DNA position 4540, C replaced by T.
Protein change: p.Arg1514Cys; replaces arginine 1514 with cysteine.
Molecular consequence: missense variant.
Genome position (GRCh38, 1-based): chr15:33,660,341, C>T. VCF-style: chr15-33660341-C-T. GRCh37 (hg19) VCF-style: chr15-33952542-C-T.
Other names: c.4540C>T, p.Arg1514Cys (NM_001243996.4); c.4540C>T (NM_001036.3); short protein forms R1514C.
Identifiers: ClinVar variation 571924 (VCV000571924.9), dbSNP rs375458327, ClinGen allele CA7459032.

ClinVar aggregate classification (germline): Uncertain significance. Review status: criteria provided, multiple submitters, no conflicts (2 of 4 stars). 2 submissions from 2 submitters: Uncertain significance (2). Last evaluated 2022-07-12.

Conditions:
Epileptic encephalopathy. Identifiers: MedGen C0543888, HP:0200134.

Allele frequency attached by ClinVar (database versions not stated): TOPMed 0.00005; gnomAD exomes 0.00004 and 0.00007; ESP Exome Variant Server 0.00008; gnomAD 0.00006; ExAC 0.00014.
gnomAD v4.1: 61 of 1,592,312 alleles (0.0038%); highest among the groups gnomAD compares: Middle Eastern, 0.033%; 1 homozygote.

Submissions (2):

Labcorp Genetics (formerly Invitae), Labcorp
Classification: Uncertain significance for Epileptic encephalopathy. Last evaluated: 2022-07-12. Review status: criteria provided, single submitter. Criteria: Invitae Variant Classification Sherloc (09022015). Collection method: clinical testing. Allele origin: germline.
Comment: This sequence change replaces arginine, which is basic and polar, with cysteine, which is neutral and slightly polar, at codon 1514 of the RYR3 protein (p.Arg1514Cys). In summary, the available evidence is currently insufficient to determine the role of this variant in disease. Therefore, it has been classified as a Variant of Uncertain Significance. Algorithms developed to predict the effect of sequence changes on RNA splicing suggest that this variant may create or strengthen a splice site. Algorithms developed to predict the effect of missense changes on protein structure and function (SIFT, PolyPhen-2, Align-GVGD) all suggest that this variant is likely to be disruptive. ClinVar contains an entry for this variant (Variation ID: 571924). This variant has not been reported in the literature in individuals affected with RYR3-related conditions. This variant is present in population databases (rs375458327, gnomAD 0.02%).

Ambry Genetics
Classification: Uncertain significance. Last evaluated: 2022-06-29. Review status: criteria provided, single submitter. Criteria: Ambry Variant Classification Scheme 2023. Collection method: clinical testing. Allele origin: germline.